The following is an entry in ClinVar:

ClinVar aggregate classification (germline): Uncertain significance (1 of 4 stars; one submission).

Conditions:
Epidermodysplasia verruciformis. Identifiers: Orphanet 302, MedGen C0014522, MONDO:0009176.

Allele frequency attached by ClinVar (database versions not stated): TOPMed 0.00001; gnomAD exomes 0.00002 and below 0.00001; gnomAD 0.00001.
gnomAD v4.1: 7 of 1,459,174 alleles (0.00048%); highest among the groups gnomAD compares: African/African-American, 0.0014%; no homozygotes.

Submission:

Labcorp Genetics (formerly Invitae), Labcorp
Classification: Uncertain significance for Epidermodysplasia verruciformis. Last evaluated: 2022-08-23. Review status: criteria provided, single submitter. Criteria: Invitae Variant Classification Sherloc (09022015). Collection method: clinical testing. Allele origin: germline.
Comment: Algorithms developed to predict the effect of missense changes on protein structure and function are either unavailable or do not agree on the potential impact of this missense change (SIFT: "Tolerated"; PolyPhen-2: "Probably Damaging"; Align-GVGD: "Class C0"). ClinVar contains an entry for this variant (Variation ID: 944264). This variant has not been reported in the literature in individuals affected with TMC8-related conditions. This variant is not present in population databases (gnomAD no frequency). This sequence change replaces arginine, which is basic and polar, with glycine, which is neutral and non-polar, at codon 53 of the TMC8 protein (p.Arg53Gly). In summary, the available evidence is currently insufficient to determine the role of this variant in disease. Therefore, it has been classified as a Variant of Uncertain Significance.

NM_152468.5(TMC8):c.157C>G (p.Arg53Gly)

Genes: TMC6 (transmembrane channel like 6; minus strand), TMC8 (transmembrane channel like 8; plus strand), LOC130061792 (ATAC-STARR-seq lymphoblastoid silent region 9043; plus strand). Cytogenetic location: 17q25.3.
Variant type: single nucleotide variant.
Coding change: c.157C>G on transcript NM_152468.5 (MANE Select); coding-DNA position 157, C replaced by G.
Protein change: p.Arg53Gly; replaces arginine 53 with glycine.
Molecular consequence: missense variant. On other transcripts: intron variant (1).
Genome position (GRCh38, 1-based): chr17:78,131,889, C>G. VCF-style: chr17-78131889-C-G. GRCh37 (hg19) VCF-style: chr17-76127970-C-G.
Other names: c.-75+452G>C (NM_007267.7); short protein forms R53G.
Identifiers: ClinVar variation 944264 (VCV000944264.10), dbSNP rs1417544539, ClinGen allele CA401239453.